The following is an entry in ClinVar:

NM_007294.4(BRCA1):c.5303G>A (p.Cys1768Tyr)

Gene: BRCA1 (BRCA1 DNA repair associated; minus strand). Cytogenetic location: 17q21.31.
Variant type: single nucleotide variant.
Coding change: c.5303G>A on transcript NM_007294.4 (MANE Select); coding-DNA position 5303, G replaced by A.
Protein change: p.Cys1768Tyr; replaces cysteine 1768 with tyrosine.
Molecular consequence: missense variant. On other transcripts: non-coding transcript variant (1).
Genome position (GRCh38, 1-based): chr17:43,051,092, C>T on the plus strand (G>A on the coding strand, the complement: BRCA1 is on the minus strand). VCF-style: chr17-43051092-C-T. GRCh37 (hg19) VCF-style: chr17-41203109-C-T.
Other names: p.C1768Y:TGC>TAC; c.5090G>A, p.Cys1697Tyr (NM_001407571.1, NM_001407896.1, NM_001407897.1 and 12 more transcripts); c.5369G>A, p.Cys1790Tyr (NM_001407581.1, NM_001407582.1); c.5366G>A, p.Cys1789Tyr (NM_001407583.1, NM_001407585.1, NM_001407587.1 and 1 more transcripts); c.5363G>A, p.Cys1788Tyr (NM_001407590.1, NM_001407591.1); c.5303G>A, p.Cys1768Tyr (NM_001407593.1, NM_001407594.1, NM_001407596.1 and 6 more transcripts); c.5300G>A, p.Cys1767Tyr (NM_001407610.1, NM_001407611.1, NM_001407612.1 and 17 more transcripts); c.5297G>A, p.Cys1766Tyr (NM_001407627.1, NM_001407628.1, NM_001407629.1 and 14 more transcripts); and 73 more; short protein forms C1768Y, C664Y, C1721Y, C1789Y, C1471Y, C1472Y, C1640Y, C1641Y.
Identifiers: ClinVar variation 182167 (VCV000182167.9), dbSNP rs730881497, ClinGen allele CA003455.

ClinVar aggregate classification (germline): Uncertain significance. Review status: criteria provided, multiple submitters, no conflicts (2 of 4 stars). 2 submissions from 2 submitters: Uncertain significance (2). Last evaluated 2023-03-27.

Conditions:
Hereditary breast ovarian cancer syndrome. Also called: Hereditary breast and ovarian cancer syndrome; Hereditary breast and ovarian cancer syndrome (HBOC); BRCA1- and BRCA2-Associated Hereditary Breast and Ovarian Cancer; Breast and ovarian cancer; Hereditary breast and ovarian cancer; Hereditary breast and/or ovarian cancer syndrome. Identifiers: Orphanet 145, MedGen C0677776, MeSH D061325, MONDO:0003582. Disease mechanism: loss of function.

Submissions (3):

GeneDx
Classification: Uncertain significance. Last evaluated: 2023-03-27. Review status: criteria provided, single submitter. Criteria: GeneDx Variant Classification Process June 2021. Collection method: clinical testing. Allele origin: germline. Affected: yes.
Comment: Published functional studies demonstrate no damaging effect: variant classified as functional based on a saturation genome editing (SGE) assay measuring cell survival (Findlay et al., 2018); Not observed at significant frequency in large population cohorts (gnomAD); In silico analysis supports that this missense variant has a deleterious effect on protein structure/function; Also known as 5422G>C; This variant is associated with the following publications: (PMID: 25348405, 29884841, 32377563, 36530327, 30209399)

Labcorp Genetics (formerly Invitae), Labcorp
Classification: Uncertain significance for Hereditary breast ovarian cancer syndrome. Last evaluated: 2022-12-15. Review status: criteria provided, single submitter. Criteria: Invitae Variant Classification Sherloc (09022015). Collection method: clinical testing. Allele origin: germline.
Comment: Advanced modeling of protein sequence and biophysical properties (such as structural, functional, and spatial information, amino acid conservation, physicochemical variation, residue mobility, and thermodynamic stability) performed at Invitae indicates that this missense variant is expected to disrupt BRCA1 protein function. Experimental studies have shown that this missense change does not substantially affect BRCA1 function (PMID: 30209399). In summary, the available evidence is currently insufficient to determine the role of this variant in disease. Therefore, it has been classified as a Variant of Uncertain Significance. ClinVar contains an entry for this variant (Variation ID: 182167). This sequence change replaces cysteine, which is neutral and slightly polar, with tyrosine, which is neutral and polar, at codon 1768 of the BRCA1 protein (p.Cys1768Tyr). This variant is not present in population databases (gnomAD no frequency). This variant has not been reported in the literature in individuals affected with BRCA1-related conditions.

Brotman Baty Institute, University of Washington
No classification provided (evidence only). Condition: Breast-ovarian cancer, familial 1. Review status: no classification provided. Collection method: in vitro. Allele origin: not applicable. Functional consequence: functionally_normal. Not counted in ClinVar's aggregate classification.
ClinVar note: "not provided" was previously submitted as the classification for the variant. However, the classification appeared to be based only on an observation of functional data so it was converted to no classification on 2025-07-30.

Literature cited by the submitters: PubMed 30209399 (cited by Labcorp Genetics (formerly Invitae), Labcorp).